The following is an entry in ClinVar:

NM_001365536.1(SCN9A):c.2723G>A (p.Trp908Ter)

Genes: SCN1A-AS1 (SCN1A and SCN9A antisense RNA 1; plus strand), SCN9A (sodium voltage-gated channel alpha subunit 9; minus strand). Cytogenetic location: 2q24.3.
Variant type: single nucleotide variant.
Coding change: c.2723G>A on transcript NM_001365536.1 (MANE Select); coding-DNA position 2723, G replaced by A.
Protein change: p.Trp908Ter; replaces tryptophan 908 with a stop codon.
Molecular consequence: nonsense. On other transcripts: non-coding transcript variant (1).
Genome position (GRCh38, 1-based): chr2:166,277,134, C>T on the plus strand (G>A on the coding strand, the complement: SCN9A is on the minus strand). VCF-style: chr2-166277134-C-T. GRCh37 (hg19) VCF-style: chr2-167133644-C-T.
Other names: c.2690G>A, p.Trp897Ter (NM_002977.4); short protein forms W897*, W908*.
Identifiers: ClinVar variation 202190 (VCV000202190.10), dbSNP rs794729216, ClinGen allele CA203854.

ClinVar aggregate classification (germline): Pathogenic. Review status: criteria provided, single submitter (1 of 4 stars). 2 submissions from 2 submitters: Pathogenic (1). 1 of the submissions does not count toward it. Last evaluated 2025-10-26.

Conditions:
Generalized epilepsy with febrile seizures plus, type 7 (GEFSP7). Also called: GEFS+, TYPE 7. Identifiers: Orphanet 36387, MedGen C2751778, MONDO:0013470, OMIM 613863.
Neuropathy, hereditary sensory and autonomic, type 2A (HSAN2A). Also called: HSAN IIA; MORVAN DISEASE; NEUROPATHY, CONGENITAL SENSORY; NEUROPATHY, HEREDITARY SENSORY RADICULAR, AUTOSOMAL RECESSIVE; NEUROPATHY, HEREDITARY SENSORY, TYPE IIA; NEUROPATHY, PROGRESSIVE SENSORY, OF CHILDREN. Identifiers: Orphanet 970, MedGen C2752089, MONDO:0024309, OMIM 201300.
Channelopathy-associated congenital insensitivity to pain, autosomal recessive. Also called: CONGENITAL ANALGESIA, AUTOSOMAL RECESSIVE; Insensitivity to pain, channelopathy-associated; ASYMBOLIA FOR PAIN. Identifiers: Orphanet 88642, Orphanet 970, MedGen C1855739, MONDO:0009459, OMIM 243000.

Allele frequency attached by ClinVar (database versions not stated): gnomAD 0.00001; TOPMed 0.00001.
gnomAD v4.1: 1 of 1,613,858 alleles (0.000062%); highest among the groups gnomAD compares: Non-Finnish European, 0.000085%; no homozygotes.

Submissions (2):

Labcorp Genetics (formerly Invitae), Labcorp
Classification: Pathogenic for Neuropathy, hereditary sensory and autonomic, type 2A; Generalized epilepsy with febrile seizures plus, type 7. Last evaluated: 2025-10-26. Review status: criteria provided, single submitter. Criteria: Invitae Variant Classification Sherloc (09022015). Collection method: clinical testing. Allele origin: germline.
Comment: This sequence change creates a premature translational stop signal (p.Trp897*) in the SCN9A gene. It is expected to result in an absent or disrupted protein product. Loss-of-function variants in SCN9A are known to be pathogenic (PMID: 17470132, 19304393). This variant is not present in population databases (gnomAD no frequency). This premature translational stop signal has been observed in individuals with congenital insensitivity to pain (PMID: 17167479, 30795902). It has also been observed to segregate with disease in related individuals. This variant is also known as p.Y897*. ClinVar contains an entry for this variant (Variation ID: 202190). For these reasons, this variant has been classified as Pathogenic.

Mendelics
Classification: Pathogenic for Indifference to pain, congenital, autosomal recessive. Last evaluated: 2013-11-26. Review status: no assertion criteria provided. Collection method: clinical testing. Allele origin: germline. Affected: yes. Not counted in ClinVar's aggregate classification.

Literature cited by the submitters: PubMed 17470132 (cited by Labcorp Genetics (formerly Invitae), Labcorp and Mendelics); PubMed 19304393 (cited by Labcorp Genetics (formerly Invitae), Labcorp); PubMed 17167479 (cited by Labcorp Genetics (formerly Invitae), Labcorp and Mendelics); PubMed 30795902 (cited by Labcorp Genetics (formerly Invitae), Labcorp).